The following is an entry in ClinVar:

NM_003872.3(NRP2):c.1715G>A (p.Arg572Gln)

Gene: NRP2 (neuropilin 2; plus strand). Cytogenetic location: 2q33.3.
Variant type: single nucleotide variant.
Coding change: c.1715G>A on transcript NM_003872.3 (MANE Select); coding-DNA position 1715, G replaced by A.
Protein change: p.Arg572Gln; replaces arginine 572 with glutamine.
Molecular consequence: missense variant.
Genome position (GRCh38, 1-based): chr2:205,745,819, G>A. VCF-style: chr2-205745819-G-A. GRCh37 (hg19) VCF-style: chr2-206610543-G-A.
Other names: c.1715G>A, p.Arg572Gln (NM_018534.4, NM_201266.2, NM_201267.2 and 1 more transcripts); short protein forms R572Q.
Identifiers: ClinVar variation 2635907 (VCV002635907.3), dbSNP rs757643027, ClinGen allele CA2069172.

ClinVar aggregate classification (germline): Uncertain significance. Review status: criteria provided, single submitter (1 of 4 stars). 2 submissions from 2 submitters: Uncertain significance (1). 1 of the submissions does not count toward it. Last evaluated 2025-12-04.

Conditions:
NRP2-related disorder. Also called: NRP2-related condition.

Allele frequency attached by ClinVar (database versions not stated): TOPMed below 0.00001; ExAC 0.00001; gnomAD exomes 0.00001.
gnomAD v4.1: 15 of 1,614,016 alleles (0.00093%); highest among the groups gnomAD compares: South Asian, 0.0044%; 1 homozygote.

Submissions (2):

Ambry Genetics
Classification: Uncertain significance. Last evaluated: 2025-12-04. Review status: criteria provided, single submitter. Criteria: Ambry Variant Classification Scheme 2023. Collection method: clinical testing. Allele origin: germline.

PreventionGenetics, part of Exact Sciences
Classification: Uncertain significance for NRP2-related condition. Last evaluated: 2024-03-13. Review status: no assertion criteria provided. Collection method: clinical testing. Allele origin: germline. Not counted in ClinVar's aggregate classification.
Comment: The NRP2 c.1715G>A variant is predicted to result in the amino acid substitution p.Arg572Gln. To our knowledge, this variant has not been reported in the literature. This variant is reported in 0.0054% of alleles in individuals of East Asian descent in gnomAD. At this time, the clinical significance of this variant is uncertain due to the absence of conclusive functional and genetic evidence.